The following is an entry in ClinVar:

NM_004304.5(ALK):c.593T>C (p.Val198Ala)

Gene: ALK (ALK receptor tyrosine kinase; minus strand). Cytogenetic location: 2p23.1.
Variant type: single nucleotide variant.
Coding change: c.593T>C on transcript NM_004304.5 (MANE Select); coding-DNA position 593, T replaced by C.
Protein change: p.Val198Ala; replaces valine 198 with alanine.
Molecular consequence: missense variant.
Genome position (GRCh38, 1-based): chr2:29,920,067, A>G on the plus strand (T>C on the coding strand, the complement: ALK is on the minus strand). VCF-style: chr2-29920067-A-G. GRCh37 (hg19) VCF-style: chr2-30142933-A-G.
Other names: short protein forms V198A.
Identifiers: ClinVar variation 1750618 (VCV001750618.6), dbSNP rs1275464904, ClinGen allele CA346589726.
Genomic context (GRCh38, chr2:29,920,067, plus strand): 5'-TGGAAGAGAAGGCGGGGCTGGGAGGCGCGAATTGCCGCGGACAGCCTTCCCTCTCTGCCC[A>G]CTTCCGACGCCTTCTTCTCGGGCATCAGGCGGATCCTCAGTCGCCCTTCGCCTTGGCGAA-3'
Protein context (NP_004295.2, residues 188-208): RLMPEKKASE[Val198Ala]GREGRLSAAI

ClinVar aggregate classification (germline): Uncertain significance. Review status: criteria provided, multiple submitters, no conflicts (2 of 4 stars). 2 submissions from 2 submitters: Uncertain significance (2). Last evaluated 2025-02-09.

Conditions:
Hereditary cancer-predisposing syndrome. Also called: Neoplastic Syndromes, Hereditary; Tumor predisposition; Hereditary neoplastic syndrome; Hereditary Cancer Syndrome. Identifiers: Orphanet 140162, MedGen C0027672, MeSH D009386, MONDO:0015356.
Neuroblastoma, susceptibility to, 3. Also called: ALK-Related Neuroblastic Tumor Susceptibility. Identifiers: Orphanet 635, MedGen C2751681, MONDO:0013083, OMIM 613014.

gnomAD v4.1: 6 of 1,614,140 alleles (0.00037%); highest among the groups gnomAD compares: Non-Finnish European, 0.00051%; no homozygotes.

Submissions (2):

Labcorp Genetics (formerly Invitae), Labcorp
Classification: Uncertain significance for Neuroblastoma, susceptibility to, 3. Last evaluated: 2025-02-09. Review status: criteria provided, single submitter. Criteria: Invitae Variant Classification Sherloc (09022015). Collection method: clinical testing. Allele origin: germline.
Comment: This sequence change replaces valine, which is neutral and non-polar, with alanine, which is neutral and non-polar, at codon 198 of the ALK protein (p.Val198Ala). This variant is not present in population databases (gnomAD no frequency). This variant has not been reported in the literature in individuals affected with ALK-related conditions. ClinVar contains an entry for this variant (Variation ID: 1750618). An algorithm developed to predict the effect of missense changes on protein structure and function (PolyPhen-2) suggests that this variant is likely to be tolerated. In summary, the available evidence is currently insufficient to determine the role of this variant in disease. Therefore, it has been classified as a Variant of Uncertain Significance.

Ambry Genetics
Classification: Uncertain significance for Hereditary cancer-predisposing syndrome. Last evaluated: 2024-11-15. Review status: criteria provided, single submitter. Criteria: Ambry Variant Classification Scheme 2023. Collection method: clinical testing. Allele origin: germline.
Comment: The p.V198A variant (also known as c.593T>C), located in coding exon 1 of the ALK gene, results from a T to C substitution at nucleotide position 593. The valine at codon 198 is replaced by alanine, an amino acid with similar properties. This amino acid position is conserved. In addition, this alteration is predicted to be tolerated by in silico analysis. Since supporting evidence is limited at this time, the clinical significance of this alteration remains unclear.